The following is an entry in ClinVar:

NM_004260.4(RECQL4):c.1178G>A (p.Gly393Asp)

Gene: RECQL4 (RecQ like helicase 4; minus strand). Cytogenetic location: 8q24.3.
Variant type: single nucleotide variant.
Coding change: c.1178G>A on transcript NM_004260.4 (MANE Select); coding-DNA position 1178, G replaced by A.
Protein change: p.Gly393Asp; replaces glycine 393 with aspartic acid.
Molecular consequence: missense variant. On other transcripts: nonsense (5), non-coding transcript variant (3), intron variant (1).
Genome position (GRCh38, 1-based): chr8:144,515,844, C>T on the plus strand (G>A on the coding strand, the complement: RECQL4 is on the minus strand). VCF-style: chr8-144515844-C-T. GRCh37 (hg19) VCF-style: chr8-145741228-C-T.
Other names: c.1082G>A, p.Gly361Asp (NM_001413017.1, NM_001413020.1); c.1178G>A, p.Gly393Asp (NM_001413018.1, NM_001413019.1, NM_001413033.1 and 2 more transcripts); c.107G>A, p.Gly36Asp (NM_001413021.1, NM_001413022.1, NM_001413023.1 and 8 more transcripts); c.1049G>A, p.Gly350Asp (NM_001413025.1); c.45G>A, p.Trp15Ter (NM_001413027.1, NM_001413030.1, NM_001413031.1 and 2 more transcripts); c.827G>A, p.Gly276Asp (NM_001413029.1); c.-210+144G>A (NM_001413043.1); c.1178G>A (NM_004260.3); short protein forms G393D, G350D, G361D, W15*, G276D, G36D.
Identifiers: ClinVar variation 2738704 (VCV002738704.4), dbSNP rs2130713228, ClinGen allele CA372687665.

ClinVar aggregate classification (germline): Uncertain significance. Review status: criteria provided, multiple submitters, no conflicts (2 of 4 stars). 2 submissions from 2 submitters: Uncertain significance (2). Last evaluated 2025-04-12.

Conditions:
Inborn genetic diseases. Identifiers: MedGen C0950123, MeSH D030342.
Baller-Gerold syndrome (BGS). Also called: CRANIOSYNOSTOSIS WITH RADIAL DEFECTS. Identifiers: Orphanet 1225, MedGen C0265308, MONDO:0009039, OMIM 218600.

Submissions (2):

Ambry Genetics
Classification: Uncertain significance for Inborn genetic diseases. Last evaluated: 2025-04-12. Review status: criteria provided, single submitter. Criteria: Ambry Variant Classification Scheme 2023. Collection method: clinical testing. Allele origin: germline.
Comment: The p.G393D variant (also known as c.1178G>A), located in coding exon 6 of the RECQL4 gene, results from a G to A substitution at nucleotide position 1178. The glycine at codon 393 is replaced by aspartic acid, an amino acid with similar properties. This amino acid position is conserved. In addition, this alteration is predicted to be tolerated by in silico analysis. Based on the available evidence, the clinical significance of this variant remains unclear.

Labcorp Genetics (formerly Invitae), Labcorp
Classification: Uncertain significance for Baller-Gerold syndrome. Last evaluated: 2023-11-17. Review status: criteria provided, single submitter. Criteria: Invitae Variant Classification Sherloc (09022015). Collection method: clinical testing. Allele origin: germline.
Comment: This sequence change replaces glycine, which is neutral and non-polar, with aspartic acid, which is acidic and polar, at codon 393 of the RECQL4 protein (p.Gly393Asp). This variant is not present in population databases (gnomAD no frequency). This variant has not been reported in the literature in individuals affected with RECQL4-related conditions. Advanced modeling of protein sequence and biophysical properties (such as structural, functional, and spatial information, amino acid conservation, physicochemical variation, residue mobility, and thermodynamic stability) performed at Invitae indicates that this missense variant is not expected to disrupt RECQL4 protein function with a negative predictive value of 80%. In summary, the available evidence is currently insufficient to determine the role of this variant in disease. Therefore, it has been classified as a Variant of Uncertain Significance.